The following is an entry in ClinVar:

NM_005676.5(RBM10):c.1909A>G (p.Lys637Glu)

Gene: RBM10 (RNA binding motif protein 10; plus strand). Cytogenetic location: Xp11.3.
Variant type: single nucleotide variant.
Coding change: c.1909A>G on transcript NM_005676.5 (MANE Select); coding-DNA position 1909, A replaced by G.
Protein change: p.Lys637Glu; replaces lysine 637 with glutamic acid.
Molecular consequence: missense variant.
Genome position (GRCh38, 1-based): chrX:47,182,285, A>G. VCF-style: chrX-47182285-A-G. GRCh37 (hg19) VCF-style: chrX-47041684-A-G.
Other names: c.1678A>G, p.Lys560Glu (NM_001204466.2); c.1906A>G, p.Lys636Glu (NM_001204467.2); c.2104A>G, p.Lys702Glu (NM_001204468.2); c.1675A>G, p.Lys559Glu (NM_152856.3); short protein forms K559E, K560E, K636E, K637E, K702E.
Identifiers: ClinVar variation 1307406 (VCV001307406.2), dbSNP rs1935609155, ClinGen allele CA412804124.
Genomic context (GRCh38, chrX:47,182,285, plus strand): 5'-CCCGCCCTGGAGCAGTCGGCCGACGGACATAAGGAGACAGGGGCACCCTCGAAGGAGGGC[A>G]AAGAGAAGAAGGAGAAGCACAAGACCAAGACAGCTCAACAGGTGAACACCAGGGTCCAGC-3'
Protein context (NP_005667.2, residues 627-647): KETGAPSKEG[Lys637Glu]EKKEKHKTKT

ClinVar aggregate classification (germline): Uncertain significance (1 of 4 stars; one submission).

Allele frequency attached by ClinVar (database versions not stated): TOPMed below 0.00001.

Submission:

GeneDx
Classification: Uncertain significance. Last evaluated: 2019-08-13. Review status: criteria provided, single submitter. Criteria: GeneDx Variant Classification Process June 2021. Collection method: clinical testing. Allele origin: germline. Affected: yes.
Comment: Not observed in large population cohorts (Lek et al., 2016); In silico analysis, which includes protein predictors and evolutionary conservation, supports that this variant does not alter protein structure/function; Has not been previously published as pathogenic or benign to our knowledge